The following is an entry in ClinVar:

NM_012388.4(BLOC1S6):c.33_34del (p.Ala12fs)

Gene: BLOC1S6 (biogenesis of lysosomal organelles complex 1 subunit 6; plus strand). Cytogenetic location: 15q21.1.
Variant type: Deletion.
Coding change: c.33_34del on transcript NM_012388.4 (MANE Select); coding-DNA positions 33 to 34, 2 bases deleted (GG; older notation c.33_34delGG).
Protein change: p.Ala12fs; shifts the reading frame from alanine 12.
Molecular consequence: frameshift variant. On other transcripts: non-coding transcript variant (5).
Genome position (GRCh38, 1-based): chr15:45,587,476-45,587,477, GG deleted; deleting any 2 consecutive bases within chr15:45,587,474-45,587,477 gives the same sequence; the c. name uses the placement nearest the transcript's 3' end. VCF-style (leftmost placement, unchanged base first): chr15-45587473-CGG-C. GRCh37 (hg19) VCF-style: chr15-45879671-CGG-C.
Other names: short protein forms A12fs.
Identifiers: ClinVar variation 2828478 (VCV002828478.2), dbSNP rs749555560, ClinGen allele CA7544215.

ClinVar aggregate classification (germline): Pathogenic (1 of 4 stars; one submission).

Conditions:
Hermansky-Pudlak syndrome 9 (HPS9). Identifiers: Orphanet 280663, Orphanet 79430, MedGen C3280026, MONDO:0013606, OMIM 614171.

Submission:

Labcorp Genetics (formerly Invitae), Labcorp
Classification: Pathogenic for Hermansky-Pudlak syndrome 9. Last evaluated: 2023-05-28. Review status: criteria provided, single submitter. Criteria: Invitae Variant Classification Sherloc (09022015). Collection method: clinical testing. Allele origin: germline.
Comment: For these reasons, this variant has been classified as Pathogenic. This variant has not been reported in the literature in individuals affected with BLOC1S6-related conditions. This variant is present in population databases (rs749555560, gnomAD 0.03%). This sequence change creates a premature translational stop signal (p.Ala12Profs*19) in the BLOC1S6 gene. It is expected to result in an absent or disrupted protein product. Loss-of-function variants in BLOC1S6 are known to be pathogenic (PMID: 10610180, 21665000, 22461475).

Literature cited by the submitters: PubMed 10610180; PubMed 21665000; PubMed 22461475.